The following is an entry in ClinVar:

ClinVar aggregate classification (germline): Likely benign. Review status: criteria provided, multiple submitters, no conflicts (2 of 4 stars). 4 submissions from 4 submitters: Likely benign (3). 1 of the submissions does not count toward it. Last evaluated 2025-12-13.

Conditions:
MLPH-related disorder. Also called: MLPH-related condition.

Allele frequency attached by ClinVar (database versions not stated): gnomAD exomes 0.00065; ExAC 0.00081; gnomAD 0.00212 and 0.00232; ESP Exome Variant Server 0.00223; TOPMed 0.00238; 1000 Genomes Project 0.00240; 1000 Genomes Project 30x 0.00250.
gnomAD v4.1: 695 of 1,613,996 alleles (0.043%); highest among the groups gnomAD compares: African/African-American, 0.66%; 3 homozygotes.

Submissions (4):

Labcorp Genetics (formerly Invitae), Labcorp
Classification: Likely benign. Last evaluated: 2025-12-13. Review status: criteria provided, single submitter. Criteria: Invitae Variant Classification Sherloc (09022015). Collection method: clinical testing. Allele origin: germline.

Blueprint Genetics
Classification: Likely benign. Last evaluated: 2024-05-07. Review status: criteria provided, single submitter. Criteria: ACMG Guidelines, 2015. Collection method: clinical testing. Allele origin: germline.

Breakthrough Genomics
Classification: Likely benign. Review status: criteria provided, single submitter. Criteria: ACMG Guidelines, 2015. Collection method: not provided. Allele origin: germline. Inheritance: Autosomal recessive inheritance. Affected: yes.

PreventionGenetics, part of Exact Sciences
Classification: Likely benign for MLPH-related condition. Last evaluated: 2024-03-14. Review status: no assertion criteria provided. Collection method: clinical testing. Allele origin: germline. Not counted in ClinVar's aggregate classification.
Comment: This variant is classified as likely benign based on ACMG/AMP sequence variant interpretation guidelines (Richards et al. 2015 PMID: 25741868, with internal and published modifications).

NM_024101.7(MLPH):c.811G>A (p.Gly271Ser)

Gene: MLPH (melanophilin; plus strand). Cytogenetic location: 2q37.3.
Variant type: single nucleotide variant.
Coding change: c.811G>A on transcript NM_024101.7 (MANE Select); coding-DNA position 811, G replaced by A.
Protein change: p.Gly271Ser; replaces glycine 271 with serine.
Molecular consequence: missense variant. On other transcripts: non-coding transcript variant (1), intron variant (1).
Genome position (GRCh38, 1-based): chr2:237,525,736, G>A. VCF-style: chr2-237525736-G-A. GRCh37 (hg19) VCF-style: chr2-238434379-G-A.
Other names: c.811G>A, p.Gly271Ser (NM_001042467.3); c.691G>A, p.Gly231Ser (NM_001281473.2); c.675+5707G>A (NM_001281474.2); short protein forms G271S, G231S.
Identifiers: ClinVar variation 712454 (VCV000712454.13), dbSNP rs140017366, ClinGen allele CA2190341.